The following is an entry in ClinVar:

NM_000142.5(FGFR3):c.2317G>C (p.Gly773Arg)

Gene: FGFR3 (fibroblast growth factor receptor 3; plus strand). Cytogenetic location: 4p16.3.
Variant type: single nucleotide variant.
Coding change: c.2317G>C on transcript NM_000142.5 (MANE Select); coding-DNA position 2317, G replaced by C.
Protein change: p.Gly773Arg; replaces glycine 773 with arginine.
Molecular consequence: missense variant. On other transcripts: non-coding transcript variant (1).
Genome position (GRCh38, 1-based): chr4:1,807,158, G>C. VCF-style: chr4-1807158-G-C. GRCh37 (hg19) VCF-style: chr4-1808885-G-C.
Other names: c.2323G>C, p.Gly775Arg (NM_001163213.2); c.2320G>C, p.Gly774Arg (NM_001354809.2); c.2249G>C, p.Gly750Ala (NM_001354810.2); c.1981G>C, p.Gly661Arg (NM_022965.4); short protein forms G773R, G774R, G775R, G661R, G750A.
Identifiers: ClinVar variation 3636998 (VCV003636998.2).
Genomic context (GRCh38, chr4:1,807,158, plus strand): 5'-CCCGCCTCCCGCCAGCAGGAGTACCTGGACCTGTCGGCGCCTTTCGAGCAGTACTCCCCG[G>C]GTGGCCAGGACACCCCCAGCTCCAGCTCCTCAGGGGACGACTCCGTGTTTGCCCACGACC-3'
Protein context (NP_000133.1, residues 763-783): LSAPFEQYSP[Gly773Arg]GQDTPSSSSS

ClinVar aggregate classification (germline): Uncertain significance (1 of 4 stars; one submission).

Submission:

Labcorp Genetics (formerly Invitae), Labcorp
Classification: Uncertain significance. Last evaluated: 2024-12-03. Review status: criteria provided, single submitter. Criteria: Invitae Variant Classification Sherloc (09022015). Collection method: clinical testing. Allele origin: germline.
Comment: This sequence change replaces glycine, which is neutral and non-polar, with arginine, which is basic and polar, at codon 773 of the FGFR3 protein (p.Gly773Arg). This variant is not present in population databases (gnomAD no frequency). This variant has not been reported in the literature in individuals affected with FGFR3-related conditions. Invitae Evidence Modeling of protein sequence and biophysical properties (such as structural, functional, and spatial information, amino acid conservation, physicochemical variation, residue mobility, and thermodynamic stability) indicates that this missense variant is not expected to disrupt FGFR3 protein function with a negative predictive value of 95%. In summary, the available evidence is currently insufficient to determine the role of this variant in disease. Therefore, it has been classified as a Variant of Uncertain Significance.